The following is an entry in ClinVar:

ClinVar aggregate classification (germline): Uncertain significance. Review status: criteria provided, multiple submitters, no conflicts (2 of 4 stars). 2 submissions from 2 submitters: Uncertain significance (2). Last evaluated 2024-05-14.

Conditions:
Cardiovascular phenotype. Identifiers: MedGen CN230736.
Familial isolated arrhythmogenic right ventricular dysplasia. Identifiers: Orphanet 217656, MedGen C4274968, MONDO:0016342.

Allele frequency attached by ClinVar (database versions not stated): gnomAD exomes 0.00001.
gnomAD v4.1: 3 of 1,613,786 alleles (0.00019%); no homozygotes.

Submissions (2):

All of Us Research Program, National Institutes of Health
Classification: Uncertain significance for Familial isolated arrhythmogenic right ventricular dysplasia. Last evaluated: 2024-05-14. Review status: criteria provided, single submitter. Criteria: ACMG Guidelines, 2015. Collection method: clinical testing. Allele origin: germline. Inheritance: Autosomal dominant inheritance. Observed: 1 variant allele, 1 heterozygote.
Comment: This missense variant replaces asparagine with serine at codon 83 of the DSC2 protein. Computational prediction suggests that this variant may not impact protein structure and function (internally defined REVEL score threshold <= 0.5, PMID: 27666373). To our knowledge, functional studies have not been reported for this variant. This variant has not been reported in individuals affected with DSC2-related disorders in the literature. This variant has been identified in 1/251008 chromosomes in the general population by the Genome Aggregation Database (gnomAD). The available evidence is insufficient to determine the role of this variant in disease conclusively. Therefore, this variant is classified as a Variant of Uncertain Significance.

This study involves interpretation of variants in research participants for the purpose of population health screening. Participant phenotype was not available at the time of variant classification. Additional details can be found in publication PMID: 35346344, PMCID: PMC8962531

Ambry Genetics
Classification: Uncertain significance for Cardiovascular phenotype. Last evaluated: 2021-12-29. Review status: criteria provided, single submitter. Criteria: Ambry Variant Classification Scheme 2023. Collection method: clinical testing. Allele origin: germline.
Comment: The p.N83S variant (also known as c.248A>G), located in coding exon 3 of the DSC2 gene, results from an A to G substitution at nucleotide position 248. The asparagine at codon 83 is replaced by serine, an amino acid with highly similar properties. This amino acid position is not well conserved in available vertebrate species. In addition, this alteration is predicted to be tolerated by in silico analysis. Since supporting evidence is limited at this time, the clinical significance of this alteration remains unclear.

NM_024422.6(DSC2):c.248A>G (p.Asn83Ser)

Gene: DSC2 (desmocollin 2; minus strand). Cytogenetic location: 18q12.1.
Variant type: single nucleotide variant.
Coding change: c.248A>G on transcript NM_024422.6 (MANE Select); coding-DNA position 248, A replaced by G.
Protein change: p.Asn83Ser; replaces asparagine 83 with serine.
Molecular consequence: missense variant.
Genome position (GRCh38, 1-based): chr18:31,092,207, T>C on the plus strand (A>G on the coding strand, the complement: DSC2 is on the minus strand). VCF-style: chr18-31092207-T-C. GRCh37 (hg19) VCF-style: chr18-28672170-T-C.
Other names: c.-182A>G (NM_001406506.1, NM_001406507.1); c.248A>G, p.Asn83Ser (NM_004949.5); short protein forms N83S.
Identifiers: ClinVar variation 1792038 (VCV001792038.3), dbSNP rs1226238061, ClinGen allele CA402114793.